The following is an entry in ClinVar:

ClinVar aggregate classification (germline): Uncertain significance (1 of 4 stars; one submission).

Submission:

Women's Health and Genetics/Laboratory Corporation of America, LabCorp
Classification: Uncertain significance. Last evaluated: 2024-02-22. Review status: criteria provided, single submitter. Criteria: LabCorp Variant Classification Summary - May 2015. Collection method: clinical testing. Allele origin: germline.
Comment: Variant summary: AFF3 c.2066C>G (p.Pro689Arg) results in a non-conservative amino acid change in the encoded protein sequence. Three of five in-silico tools predict a benign effect of the variant on protein function. The variant was absent in 248652 control chromosomes. The available data on variant occurrences in the general population are insufficient to allow any conclusion about variant significance. To our knowledge, no occurrence of c.2066C>G in individuals affected with KINSSHIP Syndrome and no experimental evidence demonstrating its impact on protein function have been reported. No submitters have cited clinical-significance assessments for this variant to ClinVar. Based on the evidence outlined above, the variant was classified as uncertain significance.

NM_001386135.1(AFF3):c.2066C>G (p.Pro689Arg)

Gene: AFF3 (ALF transcription elongation factor 3; minus strand). Cytogenetic location: 2q11.2.
Variant type: single nucleotide variant.
Coding change: c.2066C>G on transcript NM_001386135.1 (MANE Select); coding-DNA position 2066, C replaced by G.
Protein change: p.Pro689Arg; replaces proline 689 with arginine.
Molecular consequence: missense variant.
Genome position (GRCh38, 1-based): chr2:99,593,595, G>C on the plus strand (C>G on the coding strand, the complement: AFF3 is on the minus strand). VCF-style: chr2-99593595-G-C. GRCh37 (hg19) VCF-style: chr2-100210057-G-C.
Other names: c.2141C>G, p.Pro714Arg (NM_001025108.2); c.2066C>G, p.Pro689Arg (NM_002285.3); short protein forms P689R, P714R.
Identifiers: ClinVar variation 3068986 (VCV003068986.2), dbSNP rs2546097172, ClinGen allele CA347887466.